The following is an entry in ClinVar:

ClinVar aggregate classification (germline): Benign/Likely benign. Review status: criteria provided, multiple submitters, no conflicts (2 of 4 stars). 4 submissions from 4 submitters: Benign (3); Likely benign (1). Last evaluated 2024-10-09.

Allele frequency attached by ClinVar (database versions not stated): gnomAD exomes 0.00036 and 0.00098; ExAC 0.00127; 1000 Genomes Project 30x 0.00265; 1000 Genomes Project 0.00319; gnomAD 0.00400 and 0.00438; TOPMed 0.00447; ESP Exome Variant Server 0.00584.
gnomAD v4.1: 1,162 of 1,614,248 alleles (0.072%); highest among the groups gnomAD compares: African/African-American, 1.4%; 11 homozygotes.

Submissions (4):

Blueprint Genetics
Classification: Likely benign. Last evaluated: 2024-10-09. Review status: criteria provided, single submitter. Criteria: ACMG Guidelines, 2015. Collection method: clinical testing. Allele origin: germline.

CeGaT Center for Human Genetics Tuebingen
Classification: Benign. Last evaluated: 2024-04-01. Review status: criteria provided, single submitter. Criteria: CeGaT Center For Human Genetics Tuebingen Variant Classification Criteria Version 2. Collection method: clinical testing. Allele origin: germline. Affected: yes. Observed: 2 variant alleles.
Comment: HERC2: BP4, BP7, BS1, BS2

Labcorp Genetics (formerly Invitae), Labcorp
Classification: Benign. Last evaluated: 2019-12-31. Review status: criteria provided, single submitter. Criteria: Invitae Variant Classification Sherloc (09022015). Collection method: clinical testing. Allele origin: germline.

Breakthrough Genomics
Classification: Benign. Review status: criteria provided, single submitter. Criteria: ACMG Guidelines, 2015. Collection method: not provided. Allele origin: germline. Inheritance: Autosomal recessive inheritance. Affected: yes.

NM_004667.6(HERC2):c.2253A>G (p.Glu751=)

Gene: HERC2 (HECT and RLD domain containing E3 ubiquitin protein ligase 2; minus strand). Cytogenetic location: 15q13.1.
Variant type: single nucleotide variant.
Coding change: c.2253A>G on transcript NM_004667.6 (MANE Select); coding-DNA position 2253, A replaced by G.
Protein change: p.Glu751=; no amino-acid change (glutamic acid 751 retained).
Molecular consequence: synonymous variant.
Genome position (GRCh38, 1-based): chr15:28,260,840, T>C on the plus strand (A>G on the coding strand, the complement: HERC2 is on the minus strand). VCF-style: chr15-28260840-T-C. GRCh37 (hg19) VCF-style: chr15-28505986-T-C.
Identifiers: ClinVar variation 785478 (VCV000785478.33), dbSNP rs61754658, ClinGen allele CA7443243.